The following is an entry in ClinVar:

NM_173354.5(SIK1):c.1571C>T (p.Pro524Leu)

Gene: SIK1 (salt inducible kinase 1; minus strand). Cytogenetic location: 21q22.3.
Variant type: single nucleotide variant.
Coding change: c.1571C>T on transcript NM_173354.5 (MANE Select); coding-DNA position 1571, C replaced by T.
Protein change: p.Pro524Leu; replaces proline 524 with leucine.
Molecular consequence: missense variant.
Genome position (GRCh38, 1-based): chr21:43,418,433, G>A on the plus strand (C>T on the coding strand, the complement: SIK1 is on the minus strand). VCF-style: chr21-43418433-G-A. GRCh37 (hg19) VCF-style: chr21-44838313-G-A.
Other names: short protein forms P524L.
Identifiers: ClinVar variation 542705 (VCV000542705.34), dbSNP rs765573579, ClinGen allele CA321325444.

ClinVar aggregate classification (germline): Uncertain significance. Review status: criteria provided, multiple submitters, no conflicts (2 of 4 stars). 3 submissions from 3 submitters: Uncertain significance (3). Last evaluated 2023-07-31.

Conditions:
Developmental and epileptic encephalopathy, 30 (DEE30). Also called: Epileptic encephalopathy, early infantile, 30. Identifiers: MedGen C4225360, MONDO:0014595, OMIM 616341.

Allele frequency attached by ClinVar (database versions not stated): ExAC 0.00002; gnomAD exomes 0.00004.

Submissions (3):

Labcorp Genetics (formerly Invitae), Labcorp
Classification: Uncertain significance for Developmental and epileptic encephalopathy, 30. Last evaluated: 2023-07-31. Review status: criteria provided, single submitter. Criteria: Invitae Variant Classification Sherloc (09022015). Collection method: clinical testing. Allele origin: germline.
Comment: This variant is present in population databases (rs765573579, gnomAD 0.01%). This sequence change replaces proline, which is neutral and non-polar, with leucine, which is neutral and non-polar, at codon 524 of the SIK1 protein (p.Pro524Leu). This variant has not been reported in the literature in individuals affected with SIK1-related conditions. ClinVar contains an entry for this variant (Variation ID: 542705). Advanced modeling of protein sequence and biophysical properties (such as structural, functional, and spatial information, amino acid conservation, physicochemical variation, residue mobility, and thermodynamic stability) performed at Invitae indicates that this missense variant is not expected to disrupt SIK1 protein function. In summary, the available evidence is currently insufficient to determine the role of this variant in disease. Therefore, it has been classified as a Variant of Uncertain Significance.

CeGaT Center for Human Genetics Tuebingen
Classification: Uncertain significance. Last evaluated: 2022-06-01. Review status: criteria provided, single submitter. Criteria: CeGaT Center For Human Genetics Tuebingen Variant Classification Criteria Version 2. Collection method: clinical testing. Allele origin: germline. Affected: yes. Observed: 1 variant allele.
Comment: SIK1: PM2, BP4

New York Genome Center
Classification: Uncertain significance for Developmental and epileptic encephalopathy, 30. Last evaluated: 2019-10-05. Review status: criteria provided, single submitter. Criteria: NYGC Assertion Criteria 2020. Collection method: clinical testing. Allele origin: germline. Inheritance: Autosomal dominant inheritance. Observed: 1 heterozygote. Study: CSER-NYCKidSeq.